The following is an entry in ClinVar:

ClinVar aggregate classification (germline): Likely benign (1 of 4 stars; one submission).

Conditions:
Familial cancer of breast. Also called: BREAST CANCER, FAMILIAL; Hereditary breast cancer; hereditary breast carcinoma. Identifiers: Orphanet 227535, MedGen C0346153, MONDO:0016419, OMIM 114480. Disease mechanism: loss of function.

Submission:

Myriad Genetics, Inc.
Classification: Likely benign for Familial cancer of breast. Last evaluated: 2024-05-21. Review status: criteria provided, single submitter. Criteria: Myriad Autosomal Dominant, Autosomal Recessive and X-Linked Classification Criteria (2023). Collection method: clinical testing. Allele origin: unknown.
Comment: This variant is considered likely benign. This variant is intronic and is not expected to impact mRNA splicing.

NM_000051.4(ATM):c.4910-20T>C

Gene: ATM (ATM serine/threonine kinase; plus strand). Cytogenetic location: 11q22.3.
Variant type: single nucleotide variant.
Coding change: c.4910-20T>C on transcript NM_000051.4 (MANE Select); 20 bases into the intron before coding-DNA position 4910, T replaced by C.
Molecular consequence: intron variant.
Genome position (GRCh38, 1-based): chr11:108,297,267, T>C. VCF-style: chr11-108297267-T-C. GRCh37 (hg19) VCF-style: chr11-108167994-T-C.
Other names: c.4910-20T>C (NM_001351834.2).
Identifiers: ClinVar variation 3253862 (VCV003253862.1), dbSNP rs773731240.